The following is an entry in ClinVar:

NM_032119.4(ADGRV1):c.9018del (p.Leu3007fs)

Gene: ADGRV1 (adhesion G protein-coupled receptor V1; plus strand). Cytogenetic location: 5q14.3.
Variant type: Deletion.
Coding change: c.9018del on transcript NM_032119.4 (MANE Select); coding-DNA position 9018, one base deleted (G; older notation c.9018delG).
Protein change: p.Leu3007fs; shifts the reading frame from leucine 3007.
Molecular consequence: frameshift variant. On other transcripts: non-coding transcript variant (1).
Genome position (GRCh38, 1-based): chr5:90,711,298, G deleted; the last of 4 consecutive G bases (chr5:90,711,295-90,711,298); deleting any one gives the same sequence. VCF-style (leftmost placement, unchanged base first): chr5-90711294-TG-T. GRCh37 (hg19) VCF-style: chr5-90007111-TG-T.
Other names: short protein forms L3007fs.
Identifiers: ClinVar variation 2711051 (VCV002711051.3), dbSNP rs2531148134, ClinGen allele CA2674569759.

ClinVar aggregate classification (germline): Pathogenic (1 of 4 stars; one submission).

Submission:

Labcorp Genetics (formerly Invitae), Labcorp
Classification: Pathogenic. Last evaluated: 2024-01-24. Review status: criteria provided, single submitter. Criteria: Invitae Variant Classification Sherloc (09022015). Collection method: clinical testing. Allele origin: germline.
Comment: This sequence change creates a premature translational stop signal (p.Leu3007Trpfs*8) in the ADGRV1 gene. It is expected to result in an absent or disrupted protein product. Loss-of-function variants in ADGRV1 are known to be pathogenic (PMID: 19357117, 22135276, 22147658, 26226137, 30718709, 31047384, 32467589). This variant is not present in population databases (gnomAD no frequency). This variant has not been reported in the literature in individuals affected with ADGRV1-related conditions. For these reasons, this variant has been classified as Pathogenic.

Literature cited by the submitters: PubMed 19357117; PubMed 22135276; PubMed 22147658; PubMed 26226137; PubMed 30718709; PubMed 31047384; PubMed 32467589.